The following is an entry in ClinVar:

ClinVar aggregate classification (germline): Uncertain significance (1 of 4 stars; one submission).

Submission:

Ambry Genetics
Classification: Uncertain significance. Last evaluated: 2025-03-30. Review status: criteria provided, single submitter. Criteria: Ambry Variant Classification Scheme 2023. Collection method: clinical testing. Allele origin: germline.
Comment: The p.S209T variant (also known as c.626G>C), located in coding exon 4 of the ATRIP gene, results from a G to C substitution at nucleotide position 626. The serine at codon 209 is replaced by threonine, an amino acid with similar properties. This amino acid position is conserved. In addition, this alteration is predicted to be tolerated by in silico analysis. Based on the available evidence, the clinical significance of this variant remains unclear.

NM_130384.3(ATRIP):c.626G>C (p.Ser209Thr)

Genes: ATRIP (ATR interacting protein; plus strand), ATRIP-TREX1 (ATRIP-TREX1 readthrough; plus strand). Cytogenetic location: 3p21.31.
Variant type: single nucleotide variant.
Coding change: c.626G>C on transcript NM_130384.3 (MANE Select); coding-DNA position 626, G replaced by C.
Protein change: p.Ser209Thr; replaces serine 209 with threonine.
Molecular consequence: missense variant. On other transcripts: non-coding transcript variant (1).
Genome position (GRCh38, 1-based): chr3:48,454,373, G>C. VCF-style: chr3-48454373-G-C. GRCh37 (hg19) VCF-style: chr3-48495773-G-C.
Other names: c.245G>C, p.Ser82Thr (NM_001271022.2); c.347G>C, p.Ser116Thr (NM_001271023.2); c.626G>C, p.Ser209Thr (NM_032166.4); short protein forms S209T, S116T, S82T.
Identifiers: ClinVar variation 3975849 (VCV003975849.1).